The following is an entry in ClinVar:

NM_000038.6(APC):c.1626+3A>C

Gene: APC (APC regulator of Wnt signaling pathway; plus strand). Cytogenetic location: 5q22.2.
Variant type: single nucleotide variant.
Coding change: c.1626+3A>C on transcript NM_000038.6 (MANE Select); 3 bases into the intron after coding-DNA position 1626, A replaced by C.
Molecular consequence: intron variant.
Genome position (GRCh38, 1-based): chr5:112,828,009, A>C. VCF-style: chr5-112828009-A-C. GRCh37 (hg19) VCF-style: chr5-112163706-A-C.
Other names: c.1626+3A>C (NM_001354895.2, NM_001127510.3); c.1656+3A>C (NM_001354897.2); c.1353+3A>C (NM_001354902.2); c.1572+3A>C (NM_001127511.3); c.1551+3A>C (NM_001354898.2); c.1248+3A>C (NM_001354904.2); c.777+3A>C (NM_001354906.2); c.1680+3A>C (NM_001354896.2); and 5 more.
Identifiers: ClinVar variation 421590 (VCV000421590.7), dbSNP rs1060503372, ClinGen allele CA16618074.
Genomic context (GRCh38, chr5:112,828,009, plus strand): 5'-AGGCTGCATGAGAGCACTTGTGGCCCAACTAAAATCTGAAAGTGAAGACTTACAGCAGGT[A>C]CTATTTAGAATTTCACCTGTTTTTCTTTTTTCTCTTTTTCTTTGAGGCAGGGTCTCACTC-3'

ClinVar aggregate classification (germline): Uncertain significance. Review status: criteria provided, multiple submitters, no conflicts (2 of 4 stars). 2 submissions from 2 submitters: Uncertain significance (2). Last evaluated 2026-02-03.

Conditions:
Hereditary cancer-predisposing syndrome. Also called: Neoplastic Syndromes, Hereditary; Tumor predisposition; Hereditary neoplastic syndrome; Hereditary Cancer Syndrome. Identifiers: Orphanet 140162, MedGen C0027672, MeSH D009386, MONDO:0015356.

Submissions (2):

Ambry Genetics
Classification: Uncertain significance for Hereditary cancer-predisposing syndrome. Last evaluated: 2026-02-03. Review status: criteria provided, single submitter. Criteria: Ambry Variant Classification Scheme 2023. Collection method: clinical testing. Allele origin: germline.
Comment: The c.1626+3A>C intronic variant results from an A to C substitution 3 nucleotides after coding exon 12 in the APC gene. This variant was reported in individual(s) with features consistent with familial adenomatous polyposis (Ambry internal data). This nucleotide position is highly conserved in available vertebrate species. In silico splice site analysis predicts that this alteration will weaken the native splice donor site. Based on the available evidence, the clinical significance of this variant remains unclear.

GeneDx
Classification: Uncertain significance. Last evaluated: 2016-07-01. Review status: criteria provided, single submitter. Criteria: GeneDx Variant Classification (06012015). Collection method: clinical testing. Allele origin: germline. Affected: yes.
Comment: This variant is denoted APC c.1626+3A>C or IVS13+3A>C and consists of a A>C nucleotide substitution at the +3 position of intron 13 of the APC gene. Multiple in silico models predict this variant to destroy the nearby natural donor site and to possibly cause abnormal gene splicing; however, in the absence of RNA or functional studies, the actual effect of this variant is unknown. This variant has not, to our knowledge, been published in the literature as pathogenic or benign. APC c.1626+3A>C was not observed in approximately 6,500 individuals of European and African American ancestry in the NHLBI Exome Sequencing Project, suggesting it is not a common benign variant in these populations. The adenine (A) nucleotide that is altered is conserved across species. Based on currently available information, it is unclear whether APC c.1626+3A>C is a pathogenic or benign variant. We consider it to be a variant of uncertain significance.